The following is an entry in ClinVar:

NM_001077653.2(TBX20):c.1019C>T (p.Thr340Ile)

Gene: TBX20 (T-box transcription factor 20; minus strand). Cytogenetic location: 7p14.2.
Variant type: single nucleotide variant.
Coding change: c.1019C>T on transcript NM_001077653.2 (MANE Select); coding-DNA position 1019, C replaced by T.
Protein change: p.Thr340Ile; replaces threonine 340 with isoleucine.
Molecular consequence: missense variant.
Genome position (GRCh38, 1-based): chr7:35,202,755, G>A on the plus strand (C>T on the coding strand, the complement: TBX20 is on the minus strand). VCF-style: chr7-35202755-G-A. GRCh37 (hg19) VCF-style: chr7-35242367-G-A.
Other names: short protein forms T340I.
Identifiers: ClinVar variation 3703667 (VCV003703667.2).

ClinVar aggregate classification (germline): Uncertain significance (1 of 4 stars; one submission).

Submission:

Labcorp Genetics (formerly Invitae), Labcorp
Classification: Uncertain significance. Last evaluated: 2024-12-27. Review status: criteria provided, single submitter. Criteria: Invitae Variant Classification Sherloc (09022015). Collection method: clinical testing. Allele origin: germline.
Comment: This sequence change replaces threonine, which is neutral and polar, with isoleucine, which is neutral and non-polar, at codon 340 of the TBX20 protein (p.Thr340Ile). This variant is not present in population databases (gnomAD no frequency). This variant has not been reported in the literature in individuals affected with TBX20-related conditions. Invitae Evidence Modeling of protein sequence and biophysical properties (such as structural, functional, and spatial information, amino acid conservation, physicochemical variation, residue mobility, and thermodynamic stability) indicates that this missense variant is not expected to disrupt TBX20 protein function with a negative predictive value of 80%. In summary, the available evidence is currently insufficient to determine the role of this variant in disease. Therefore, it has been classified as a Variant of Uncertain Significance.